The following is an entry in ClinVar:

ClinVar aggregate classification (germline): Uncertain significance (1 of 4 stars; one submission).

gnomAD v4.1: 2 of 1,610,076 alleles (0.00012%); highest among the groups gnomAD compares: Non-Finnish European, 0.00017%; no homozygotes.

Submission:

Athena Diagnostics
Classification: Uncertain significance. Last evaluated: 2024-02-22. Review status: criteria provided, single submitter. Criteria: Athena Diagnostics Criteria. Collection method: clinical testing. Allele origin: unknown.
Comment: Available data are insufficient to determine the clinical significance of the variant at this time. This variant has not been reported in large, multi-ethnic general populations. Computational tools yielded predictions that this variant is unlikely to have an effect on normal RNA splicing.

NM_014946.4(SPAST):c.1575A>G (p.Gln525=)

Gene: SPAST (spastin; plus strand). Cytogenetic location: 2p22.3.
Variant type: single nucleotide variant.
Coding change: c.1575A>G on transcript NM_014946.4 (MANE Select); coding-DNA position 1575, A replaced by G.
Protein change: p.Gln525=; no amino-acid change (glutamine 525 retained).
Molecular consequence: synonymous variant.
Genome position (GRCh38, 1-based): chr2:32,143,374, A>G. VCF-style: chr2-32143374-A-G. GRCh37 (hg19) VCF-style: chr2-32368443-A-G.
Other names: c.1572A>G, p.Gln524= (NM_001363823.2); c.1476A>G, p.Gln492= (NM_001363875.2); c.1479A>G, p.Gln493= (NM_001377959.1, NM_199436.2).
Identifiers: ClinVar variation 3571743 (VCV003571743.1).